The following is an entry in ClinVar:

ClinVar aggregate classification (germline): Benign (1 of 4 stars; one submission).

Allele frequency attached by ClinVar (database versions not stated): TOPMed 0.06058; gnomAD 0.06069 and 0.06419; 1000 Genomes Project 30x 0.06839; 1000 Genomes Project 0.07688.

Submission:

GeneDx
Classification: Benign. Last evaluated: 2020-02-18. Review status: criteria provided, single submitter. Criteria: GeneDx Variant Classification Process June 2021. Collection method: clinical testing. Allele origin: germline. Affected: yes.
Comment: This variant is associated with the following publications: (PMID: 26223249, 29118466)

NM_002190.3(IL17A):c.*1249C>T

Gene: IL17A (interleukin 17A; plus strand). Cytogenetic location: 6p12.2.
Variant type: single nucleotide variant.
Coding change: c.*1249C>T on transcript NM_002190.3 (MANE Select); 1249 bases downstream of the stop codon, C replaced by T.
Molecular consequence: 3 prime UTR variant.
Genome position (GRCh38, 1-based): chr6:52,190,541, C>T. VCF-style: chr6-52190541-C-T. GRCh37 (hg19) VCF-style: chr6-52055339-C-T.
Identifiers: ClinVar variation 1270340 (VCV001270340.1), dbSNP rs3748067, ClinGen allele CA12194497.